The following is an entry in ClinVar:

NM_005751.5(AKAP9):c.5080G>A (p.Glu1694Lys)

Gene: AKAP9 (A-kinase anchoring protein 9; plus strand). Cytogenetic location: 7q21.2.
Variant type: single nucleotide variant.
Coding change: c.5080G>A on transcript NM_005751.5 (MANE Select); coding-DNA position 5080, G replaced by A.
Protein change: p.Glu1694Lys; replaces glutamic acid 1694 with lysine.
Molecular consequence: missense variant.
Genome position (GRCh38, 1-based): chr7:92,042,689, G>A. VCF-style: chr7-92042689-G-A. GRCh37 (hg19) VCF-style: chr7-91672003-G-A.
Other names: c.5080G>A, p.Glu1694Lys (NM_147185.3); short protein forms E1694K.
Identifiers: ClinVar variation 662675 (VCV000662675.11), dbSNP rs776780461, ClinGen allele CA4336736.

ClinVar aggregate classification (germline): Uncertain significance. Review status: criteria provided, multiple submitters, no conflicts (2 of 4 stars). 2 submissions from 2 submitters: Uncertain significance (2). Last evaluated 2025-07-31.

Conditions:
Long QT syndrome (LQTS). Identifiers: MedGen C0023976, MeSH D008133, MONDO:0002442. Disease mechanism: loss of function. Inheritance: Various modes of inheritance.
Cardiovascular phenotype. Identifiers: MedGen CN230736.

Allele frequency attached by ClinVar (database versions not stated): gnomAD exomes below 0.00001 and 0.00003; ExAC 0.00001; gnomAD 0.00001; TOPMed 0.00001.
gnomAD v4.1: 36 of 1,610,826 alleles (0.0022%); highest among the groups gnomAD compares: Non-Finnish European, 0.0031%; no homozygotes.

Submissions (2):

Labcorp Genetics (formerly Invitae), Labcorp
Classification: Uncertain significance for Long QT syndrome. Last evaluated: 2025-07-31. Review status: criteria provided, single submitter. Criteria: Invitae Variant Classification Sherloc (09022015). Collection method: clinical testing. Allele origin: germline.
Comment: This sequence change replaces glutamic acid, which is acidic and polar, with lysine, which is basic and polar, at codon 1694 of the AKAP9 protein (p.Glu1694Lys). The frequency data for this variant in the population databases is considered unreliable, as metrics indicate poor data quality at this position in the gnomAD database. This variant has not been reported in the literature in individuals affected with AKAP9-related conditions. ClinVar contains an entry for this variant (Variation ID: 662675). An algorithm developed to predict the effect of missense changes on protein structure and function (PolyPhen-2) suggests that this variant is likely to be tolerated. In summary, the available evidence is currently insufficient to determine the role of this variant in disease. Therefore, it has been classified as a Variant of Uncertain Significance.

Ambry Genetics
Classification: Uncertain significance for Cardiovascular phenotype. Last evaluated: 2024-08-15. Review status: criteria provided, single submitter. Criteria: Ambry Variant Classification Scheme 2023. Collection method: clinical testing. Allele origin: germline.
Comment: The p.E1694K variant (also known as c.5080G>A), located in coding exon 20 of the AKAP9 gene, results from a G to A substitution at nucleotide position 5080. The glutamic acid at codon 1694 is replaced by lysine, an amino acid with similar properties. This amino acid position is well conserved in available vertebrate species. In addition, this alteration is predicted to be tolerated by in silico analysis. Since supporting evidence is limited at this time, the clinical significance of this alteration remains unclear.